The following is an entry in ClinVar:

NM_001035.3(RYR2):c.8129+4T>C

Gene: RYR2 (ryanodine receptor 2; plus strand). Cytogenetic location: 1q43.
Variant type: single nucleotide variant.
Coding change: c.8129+4T>C on transcript NM_001035.3 (MANE Select); 4 bases into the intron after coding-DNA position 8129, T replaced by C.
Molecular consequence: intron variant.
Genome position (GRCh38, 1-based): chr1:237,655,988, T>C. VCF-style: chr1-237655988-T-C. GRCh37 (hg19) VCF-style: chr1-237819288-T-C.
Identifiers: ClinVar variation 1054811 (VCV001054811.8), dbSNP rs1683207512, ClinGen allele CA2487429765.

ClinVar aggregate classification (germline): Uncertain significance. Review status: criteria provided, multiple submitters, no conflicts (2 of 4 stars). 2 submissions from 2 submitters: Uncertain significance (2). Last evaluated 2023-07-10.

Conditions:
Catecholaminergic polymorphic ventricular tachycardia 1. Also called: VENTRICULAR TACHYCARDIA, STRESS-INDUCED POLYMORPHIC 1; VENTRICULAR TACHYCARDIA, CATECHOLAMINERGIC POLYMORPHIC, 1, WITH OR WITHOUT ATRIAL DYSFUNCTION AND/OR DILATED CARDIOMYOPATHY; RYR2-Related Catecholaminergic Polymorphic Ventricular Tachycardia. Identifiers: Orphanet 3286, MedGen C1631597, MONDO:0011484, OMIM 604772.
Catecholaminergic polymorphic ventricular tachycardia (CVPT). Also called: Catecholamine-induced polymorphic ventricular tachycardia. Identifiers: Orphanet 3286, MedGen C5574922, MONDO:0017990.

Allele frequency attached by ClinVar (database versions not stated): TOPMed below 0.00001.

Submissions (2):

All of Us Research Program, National Institutes of Health
Classification: Uncertain significance for Catecholaminergic polymorphic ventricular tachycardia. Last evaluated: 2023-07-10. Review status: criteria provided, single submitter. Criteria: ACMG Guidelines, 2015. Collection method: clinical testing. Allele origin: germline. Inheritance: Autosomal dominant inheritance. Observed: 1 variant allele, 1 heterozygote.
Comment: This variant causes a T to C nucleotide substitution at the +4 position of intron 53 of the RYR2 gene. To our knowledge, functional studies have not been reported for this variant. This variant has not been reported in individuals affected with RYR2-related disorders in the literature. This variant has not been identified in the general population by the Genome Aggregation Database (gnomAD). The available evidence is insufficient to determine the role of this variant in disease conclusively. Therefore, this variant is classified as a Variant of Uncertain Significance.

This study involves interpretation of variants in research participants for the purpose of population health screening. Participant phenotype was not available at the time of variant classification. Additional details can be found in publication PMID: 35346344, PMCID: PMC8962531

Labcorp Genetics (formerly Invitae), Labcorp
Classification: Uncertain significance for Catecholaminergic polymorphic ventricular tachycardia 1. Last evaluated: 2021-08-31. Review status: criteria provided, single submitter. Criteria: Invitae Variant Classification Sherloc (09022015). Collection method: clinical testing. Allele origin: germline.
Comment: This sequence change falls in intron 53 of the RYR2 gene. It does not directly change the encoded amino acid sequence of the RYR2 protein. It affects a nucleotide within the consensus splice site of the intron. This variant is not present in population databases (ExAC no frequency). This variant has not been reported in the literature in individuals affected with RYR2-related conditions. Variants that disrupt the consensus splice site are a relatively common cause of aberrant splicing (PMID: 17576681, 9536098). Algorithms developed to predict the effect of sequence changes on RNA splicing suggest that this variant is not likely to affect RNA splicing. In summary, the available evidence is currently insufficient to determine the role of this variant in disease. Therefore, it has been classified as a Variant of Uncertain Significance.

Literature cited by the submitters: PubMed 17576681 (cited by Labcorp Genetics (formerly Invitae), Labcorp); PubMed 9536098 (cited by Labcorp Genetics (formerly Invitae), Labcorp).